The following is an entry in ClinVar:

ClinVar aggregate classification (germline): Likely pathogenic. Review status: criteria provided, multiple submitters, no conflicts (2 of 4 stars). 2 submissions from 2 submitters: Likely pathogenic (2). Last evaluated 2024-04-08.

Conditions:
Hyaline fibromatosis syndrome (HFS). Also called: HYALINOSIS, SYSTEMIC; Hyalinosis, Inherited Systemic. Identifiers: Orphanet 2028, Orphanet 498474, MedGen C5574677, MONDO:0009229, OMIM 228600.

Allele frequency attached by ClinVar (database versions not stated): gnomAD exomes below 0.00001; TOPMed 0.00001.
gnomAD v4.1: 1 of 1,573,952 alleles (0.000064%); no homozygotes.

Submissions (2):

Fulgent Genetics
Classification: Likely pathogenic for Hyaline fibromatosis syndrome. Last evaluated: 2024-04-08. Review status: criteria provided, single submitter. Criteria: ACMG Guidelines, 2015. Collection method: clinical testing. Allele origin: germline.

Women's Health and Genetics/Laboratory Corporation of America, LabCorp
Classification: Likely pathogenic for Juvenile hyaline fibromatosis. Last evaluated: 2023-02-15. Review status: criteria provided, single submitter. Criteria: LabCorp Variant Classification Summary - May 2015. Collection method: clinical testing. Allele origin: germline.
Comment: Variant summary: ANTXR2 c.1087-1G>A is located in a canonical splice-site and is predicted to affect mRNA splicing resulting in a significantly altered protein due to either exon skipping, shortening, or inclusion of intronic material. Several computational tools predict a significant impact on normal splicing: Two predict the variant abolishes a canonical 3' acceptor site. Two predict the variant creates a cryptic 3' acceptor site. However, these predictions have yet to be confirmed by functional studies. The variant was absent in 224258 control chromosomes. To our knowledge, no occurrence of c.1087-1G>A in individuals affected with Hyaline Fibromatosis Syndrome and no experimental evidence demonstrating its impact on protein function have been reported. No clinical diagnostic laboratories have submitted clinical-significance assessments for this variant to ClinVar after 2014. Based on the evidence outlined above, the variant was classified as likely pathogenic.

NM_058172.6(ANTXR2):c.1087-1G>A

Gene: ANTXR2 (ANTXR cell adhesion molecule 2; minus strand). Cytogenetic location: 4q21.21.
Variant type: single nucleotide variant.
Coding change: c.1087-1G>A on transcript NM_058172.6 (MANE Select); the canonical splice acceptor site of the intron before coding-DNA position 1087, G replaced by A.
Molecular consequence: splice acceptor variant.
Genome position (GRCh38, 1-based): chr4:79,983,971, C>T on the plus strand (G>A on the coding strand, the complement: ANTXR2 is on the minus strand). VCF-style: chr4-79983971-C-T. GRCh37 (hg19) VCF-style: chr4-80905125-C-T.
Other names: c.856-1G>A (NM_001286780.2, NM_001286781.2); c.1087-1G>A (NM_001145794.2).
Identifiers: ClinVar variation 2445864 (VCV002445864.2), dbSNP rs1312776461, ClinGen allele CA357471593.